The following is an entry in ClinVar:

ClinVar aggregate classification (germline): Conflicting classifications of pathogenicity. Review status: criteria provided, conflicting classifications (1 of 4 stars). 6 submissions from 6 submitters: Uncertain significance (2); Likely benign (3). 1 of the submissions does not count toward it. Last evaluated 2026-02-01.

Conditions:
TH-deficient dopa-responsive dystonia. Also called: Tyrosine Hydroxylase-Deficient Dopa-Responsive Dystonia; Segawa syndrome, autosomal recessive; DYT-TH. Identifiers: Orphanet 101150, MedGen C2673535, MONDO:0011551, OMIM 605407.

Allele frequency attached by ClinVar (database versions not stated): gnomAD 0.00001 and 0.00005; TOPMed 0.00002; ESP Exome Variant Server 0.00008; gnomAD exomes 0.00015 and 0.00035; 1000 Genomes Project 30x 0.00016; 1000 Genomes Project 0.00020; ExAC 0.00041.
gnomAD v4.1: 230 of 1,611,720 alleles (0.014%); highest among the groups gnomAD compares: South Asian, 0.24%; 2 homozygotes.

Submissions (6):

CeGaT Center for Human Genetics Tuebingen
Classification: Likely benign. Last evaluated: 2026-02-01. Review status: criteria provided, single submitter. Criteria: CeGaT Center For Human Genetics Tuebingen Variant Classification Criteria Version 2. Collection method: clinical testing. Allele origin: germline. Affected: yes. Observed: 2 variant alleles.
Comment: TH: PP3, BS1

Labcorp Genetics (formerly Invitae), Labcorp
Classification: Likely benign for TH-deficient dopa-responsive dystonia. Last evaluated: 2026-01-27. Review status: criteria provided, single submitter. Criteria: Invitae Variant Classification Sherloc (09022015). Collection method: clinical testing. Allele origin: germline.

GeneDx
Classification: Uncertain significance. Last evaluated: 2025-07-11. Review status: criteria provided, single submitter. Criteria: GeneDx Variant Classification Process June 2021. Collection method: clinical testing. Allele origin: germline.
Comment: In silico analysis suggests that this missense variant does not alter protein structure/function; Has not been previously published as pathogenic or benign to our knowledge

Revvity Omics, Revvity
Classification: Uncertain significance for TH-deficient dopa-responsive dystonia. Last evaluated: 2023-11-06. Review status: criteria provided, single submitter. Criteria: ACMG Guidelines, 2015. Collection method: clinical testing. Allele origin: germline.

Illumina Laboratory Services, Illumina
Classification: Likely benign for TH-deficient dopa-responsive dystonia. Last evaluated: 2018-01-13. Review status: criteria provided, single submitter. Criteria: ICSL Variant Classification Criteria 13 December 2019. Collection method: clinical testing. Allele origin: germline.
Comment: This variant was observed in the ICSL laboratory as part of a predisposition screen in an ostensibly healthy population. It had not been previously curated by ICSL or reported in the Human Gene Mutation Database (HGMD: prior to June 1st, 2018), and was therefore a candidate for classification through an automated scoring system. Utilizing variant allele frequency, disease prevalence and penetrance estimates, and inheritance mode, an automated score was calculated to assess if this variant is too frequent to cause the disease. Based on the score and internal cut-off values, a variant classified as likely benign is not then subjected to further curation. The score for this variant resulted in a classification of likely benign for this disease.

Natera, Inc.
Classification: Uncertain significance for Autosomal recessive Segawa syndrome. Last evaluated: 2020-04-12. Review status: no assertion criteria provided. Collection method: clinical testing. Allele origin: germline. Not counted in ClinVar's aggregate classification.

NM_000360.4(TH):c.5C>T (p.Pro2Leu)

Gene: TH (tyrosine hydroxylase; minus strand). Cytogenetic location: 11p15.5.
Variant type: single nucleotide variant.
Coding change: c.5C>T on transcript NM_000360.4 (MANE Select); coding-DNA position 5, C replaced by T.
Protein change: p.Pro2Leu; replaces proline 2 with leucine.
Molecular consequence: missense variant.
Genome position (GRCh38, 1-based): chr11:2,171,782, G>A on the plus strand (C>T on the coding strand, the complement: TH is on the minus strand). VCF-style: chr11-2171782-G-A. GRCh37 (hg19) VCF-style: chr11-2193012-G-A.
Other names: c.5C>T, p.Pro2Leu (NM_199292.3, NM_199293.3); short protein forms P2L.
Identifiers: ClinVar variation 304087 (VCV000304087.47), dbSNP rs139474171, ClinGen allele CA5818895.
Genomic context (GRCh38, chr11:2,171,782, plus strand): 5'-TCCAGCTCAGACACGGCCCTGCGGAAGCCCTTGGCCTGTGGCGTGGTGGCGTCGGGGGTG[G>A]GCATGGCTCAGTGTGGAGGTCCGGGCTCCGTCTCCACAGCCCTGGCCCAGCAGCCTCTTA-3'
Protein context (NP_000351.2, residues 1-12): M[Pro2Leu]TPDATTPQAK